The following is an entry in ClinVar:

ClinVar aggregate classification (germline): Uncertain significance (1 of 4 stars; one submission).

Conditions:
Dextro-looped transposition of the great arteries. Also called: Dextrotransposition of the great arteries. Identifiers: Orphanet 860, MedGen C3531771, MONDO:0019443, OMIM 608808, HP:0031348.

Submission:

Labcorp Genetics (formerly Invitae), Labcorp
Classification: Uncertain significance for Dextro-looped transposition of the great arteries. Last evaluated: 2025-01-28. Review status: criteria provided, single submitter. Criteria: Invitae Variant Classification Sherloc (09022015). Collection method: clinical testing. Allele origin: germline.
Comment: This sequence change replaces proline, which is neutral and non-polar, with leucine, which is neutral and non-polar, at codon 461 of the MED13L protein (p.Pro461Leu). This variant is not present in population databases (gnomAD no frequency). This variant has not been reported in the literature in individuals affected with MED13L-related conditions. Invitae Evidence Modeling of protein sequence and biophysical properties (such as structural, functional, and spatial information, amino acid conservation, physicochemical variation, residue mobility, and thermodynamic stability) indicates that this missense variant is not expected to disrupt MED13L protein function with a negative predictive value of 80%. In summary, the available evidence is currently insufficient to determine the role of this variant in disease. Therefore, it has been classified as a Variant of Uncertain Significance.

NM_015335.5(MED13L):c.1382C>T (p.Pro461Leu)

Gene: MED13L (mediator complex subunit 13L; minus strand). Cytogenetic location: 12q24.21.
Variant type: single nucleotide variant.
Coding change: c.1382C>T on transcript NM_015335.5 (MANE Select); coding-DNA position 1382, C replaced by T.
Protein change: p.Pro461Leu; replaces proline 461 with leucine.
Molecular consequence: missense variant.
Genome position (GRCh38, 1-based): chr12:116,009,031, G>A on the plus strand (C>T on the coding strand, the complement: MED13L is on the minus strand). VCF-style: chr12-116009031-G-A. GRCh37 (hg19) VCF-style: chr12-116446836-G-A.
Other names: short protein forms P461L.
Identifiers: ClinVar variation 3703129 (VCV003703129.2).